The following is an entry in ClinVar:

ClinVar aggregate classification (germline): Uncertain significance (1 of 4 stars; one submission).

Submission:

Labcorp Genetics (formerly Invitae), Labcorp
Classification: Uncertain significance. Last evaluated: 2025-07-16. Review status: criteria provided, single submitter. Criteria: Invitae Variant Classification Sherloc (09022015). Collection method: clinical testing. Allele origin: germline.
Comment: This sequence change replaces arginine, which is basic and polar, with proline, which is neutral and non-polar, at codon 82 of the RHOBTB2 protein (p.Arg82Pro). This variant is not present in population databases (gnomAD no frequency). This variant has not been reported in the literature in individuals affected with RHOBTB2-related conditions. ClinVar contains an entry for this variant (Variation ID: 3719986). Invitae Evidence Modeling of protein sequence and biophysical properties (such as structural, functional, and spatial information, amino acid conservation, physicochemical variation, residue mobility, and thermodynamic stability) has been performed for this missense variant. However, the output from this modeling did not meet the statistical confidence thresholds required to predict the impact of this variant on RHOBTB2 protein function. In summary, the available evidence is currently insufficient to determine the role of this variant in disease. Therefore, it has been classified as a Variant of Uncertain Significance.

NM_015178.3(RHOBTB2):c.179G>C (p.Arg60Pro)

Gene: RHOBTB2 (Rho related BTB domain containing 2; plus strand). Cytogenetic location: 8p21.3.
Variant type: single nucleotide variant.
Coding change: c.179G>C on transcript NM_015178.3 (MANE Select); coding-DNA position 179, G replaced by C.
Protein change: p.Arg60Pro; replaces arginine 60 with proline.
Molecular consequence: missense variant.
Genome position (GRCh38, 1-based): chr8:23,004,613, G>C. VCF-style: chr8-23004613-G-C. GRCh37 (hg19) VCF-style: chr8-22862126-G-C.
Other names: c.245G>C, p.Arg82Pro (NM_001160036.2); c.200G>C, p.Arg67Pro (NM_001160037.2); c.179G>C, p.Arg60Pro (NM_001374791.1); short protein forms R60P, R82P, R67P.
Identifiers: ClinVar variation 3719986 (VCV003719986.2).